The following is an entry in ClinVar:

ClinVar aggregate classification (germline): Uncertain significance (1 of 4 stars; one submission).

Allele frequency attached by ClinVar (database versions not stated): gnomAD exomes below 0.00001; TOPMed below 0.00001; ExAC 0.00001; gnomAD 0.00001.
gnomAD v4.1: 6 of 1,614,032 alleles (0.00037%); highest among the groups gnomAD compares: African/African-American, 0.0013%; no homozygotes.

Submission:

Labcorp Genetics (formerly Invitae), Labcorp
Classification: Uncertain significance. Last evaluated: 2022-07-19. Review status: criteria provided, single submitter. Criteria: Invitae Variant Classification Sherloc (09022015). Collection method: clinical testing. Allele origin: germline.
Comment: This sequence change replaces valine, which is neutral and non-polar, with methionine, which is neutral and non-polar, at codon 333 of the SLC26A3 protein (p.Val333Met). This variant is present in population databases (rs769800728, gnomAD 0.004%). This variant has not been reported in the literature in individuals affected with SLC26A3-related conditions. ClinVar contains an entry for this variant (Variation ID: 1435712). Advanced modeling of protein sequence and biophysical properties (such as structural, functional, and spatial information, amino acid conservation, physicochemical variation, residue mobility, and thermodynamic stability) performed at Invitae indicates that this missense variant is not expected to disrupt SLC26A3 protein function. In summary, the available evidence is currently insufficient to determine the role of this variant in disease. Therefore, it has been classified as a Variant of Uncertain Significance.

NM_000111.3(SLC26A3):c.997G>A (p.Val333Met)

Gene: SLC26A3 (solute carrier family 26 member 3; minus strand). Cytogenetic location: 7q22.3.
Variant type: single nucleotide variant.
Coding change: c.997G>A on transcript NM_000111.3 (MANE Select); coding-DNA position 997, G replaced by A.
Protein change: p.Val333Met; replaces valine 333 with methionine.
Molecular consequence: missense variant.
Genome position (GRCh38, 1-based): chr7:107,783,327, C>T on the plus strand (G>A on the coding strand, the complement: SLC26A3 is on the minus strand). VCF-style: chr7-107783327-C-T. GRCh37 (hg19) VCF-style: chr7-107423772-C-T.
Other names: short protein forms V333M.
Identifiers: ClinVar variation 1435712 (VCV001435712.5), dbSNP rs769800728, ClinGen allele CA4433963.
Genomic context (GRCh38, chr7:107,783,327, plus strand): 5'-CTGCAAATGCAACCATTGCGATGCCGAAGCAATCTCCTACGGTGTTTTGGAAAGTCTCCA[C>T]GTCAGGTGTAATAGGGGGCTGAAATCTAAAATTGAAATTAAGCAAGTCTGAATGTCACCA-3'
Protein context (NP_000102.1, residues 323-343): PGFQPPITPD[Val333Met]ETFQNTVGDC